The following is an entry in ClinVar:

NM_018089.3(ANKZF1):c.808A>G (p.Thr270Ala)

Gene: ANKZF1 (ankyrin repeat and zinc finger peptidyl tRNA hydrolase 1; plus strand). Cytogenetic location: 2q35.
Variant type: single nucleotide variant.
Coding change: c.808A>G on transcript NM_018089.3 (MANE Select); coding-DNA position 808, A replaced by G.
Protein change: p.Thr270Ala; replaces threonine 270 with alanine.
Molecular consequence: missense variant.
Genome position (GRCh38, 1-based): chr2:219,233,422, A>G. VCF-style: chr2-219233422-A-G. GRCh37 (hg19) VCF-style: chr2-220098144-A-G.
Other names: c.808A>G, p.Thr270Ala (NM_001042410.2); c.178A>G, p.Thr60Ala (NM_001282792.2); short protein forms T270A, T60A.
Identifiers: ClinVar variation 3619413 (VCV003619413.2).

ClinVar aggregate classification (germline): Uncertain significance (1 of 4 stars; one submission).

Submission:

Labcorp Genetics (formerly Invitae), Labcorp
Classification: Uncertain significance. Last evaluated: 2024-03-01. Review status: criteria provided, single submitter. Criteria: Invitae Variant Classification Sherloc (09022015). Collection method: clinical testing. Allele origin: germline.
Comment: This sequence change replaces threonine, which is neutral and polar, with alanine, which is neutral and non-polar, at codon 270 of the ANKZF1 protein (p.Thr270Ala). The frequency data for this variant in the population databases is considered unreliable, as metrics indicate poor data quality at this position in the gnomAD database. This variant has not been reported in the literature in individuals affected with ANKZF1-related conditions. Algorithms developed to predict the effect of missense changes on protein structure and function output the following: SIFT: "Not Available"; PolyPhen-2: "Benign"; Align-GVGD: "Not Available". The alanine amino acid residue is found in multiple mammalian species, which suggests that this missense change does not adversely affect protein function. In summary, the available evidence is currently insufficient to determine the role of this variant in disease. Therefore, it has been classified as a Variant of Uncertain Significance.